The following is an entry in ClinVar:

NM_000096.4(CP):c.1079C>A (p.Ser360Tyr)

Gene: CP (ceruloplasmin; minus strand). Cytogenetic location: 3q25.1.
Variant type: single nucleotide variant.
Coding change: c.1079C>A on transcript NM_000096.4 (MANE Select); coding-DNA position 1079, C replaced by A.
Protein change: p.Ser360Tyr; replaces serine 360 with tyrosine.
Molecular consequence: missense variant. On other transcripts: non-coding transcript variant (1).
Genome position (GRCh38, 1-based): chr3:149,206,297, G>T on the plus strand (C>A on the coding strand, the complement: CP is on the minus strand). VCF-style: chr3-149206297-G-T. GRCh37 (hg19) VCF-style: chr3-148924084-G-T.
Other names: short protein forms S360Y.
Identifiers: ClinVar variation 2842963 (VCV002842963.3), dbSNP rs754375289, ClinGen allele CA2661145.

ClinVar aggregate classification (germline): Uncertain significance (1 of 4 stars; one submission).

Conditions:
Deficiency of ferroxidase (ACEP). Also called: Ceruloplasmin deficiency; Familial apoceruloplasmin deficiency; Hereditary ceruloplasmin deficiency; NEURODEGENERATION WITH BRAIN IRON ACCUMULATION 10; Deficiency of ceruloplasmin; Aceruloplasminemia. Identifiers: Orphanet 48818, MedGen C0878682, MONDO:0011426, OMIM 604290, HP:0025498.

Allele frequency attached by ClinVar (database versions not stated): TOPMed below 0.00001; ExAC 0.00001; gnomAD 0.00002.
gnomAD v4.1: 3 of 1,613,836 alleles (0.00019%); highest among the groups gnomAD compares: African/African-American, 0.004%; no homozygotes.

Submission:

Labcorp Genetics (formerly Invitae), Labcorp
Classification: Uncertain significance for Deficiency of ferroxidase. Last evaluated: 2023-03-06. Review status: criteria provided, single submitter. Criteria: Invitae Variant Classification Sherloc (09022015). Collection method: clinical testing. Allele origin: germline.
Comment: In summary, the available evidence is currently insufficient to determine the role of this variant in disease. Therefore, it has been classified as a Variant of Uncertain Significance. Advanced modeling of protein sequence and biophysical properties (such as structural, functional, and spatial information, amino acid conservation, physicochemical variation, residue mobility, and thermodynamic stability) performed at Invitae indicates that this missense variant is not expected to disrupt CP protein function. This variant has not been reported in the literature in individuals affected with CP-related conditions. The frequency data for this variant in the population databases is considered unreliable, as metrics indicate poor data quality at this position in the gnomAD database. This sequence change replaces serine, which is neutral and polar, with tyrosine, which is neutral and polar, at codon 360 of the CP protein (p.Ser360Tyr).